The following is an entry in ClinVar:

NM_020987.5(ANK3):c.8655C>A (p.His2885Gln)

Gene: ANK3 (ankyrin 3; minus strand). Cytogenetic location: 10q21.2.
Variant type: single nucleotide variant.
Coding change: c.8655C>A on transcript NM_020987.5 (MANE Select); coding-DNA position 8655, C replaced by A.
Protein change: p.His2885Gln; replaces histidine 2885 with glutamine.
Molecular consequence: missense variant. On other transcripts: intron variant (4).
Genome position (GRCh38, 1-based): chr10:60,072,226, G>T on the plus strand (C>A on the coding strand, the complement: ANK3 is on the minus strand). VCF-style: chr10-60072226-G-T. GRCh37 (hg19) VCF-style: chr10-61831984-G-T.
Other names: c.4388-4217C>A (NM_001204403.2); c.4409-4217C>A (NM_001204404.2); c.4406-4217C>A (NM_001320874.2); c.1808-4217C>A (NM_001149.4); c.8655C>A (NM_020987.4); short protein forms H2885Q.
Identifiers: ClinVar variation 128379 (VCV000128379.17), dbSNP rs11599164, ClinGen allele CA151808.
Genomic context (GRCh38, chr10:60,072,226, plus strand): 5'-GCGTTCTCTCTCAGTCACAGACATAAATTCATTCTTTTGATCAACACTTTTACTCTCAGG[G>T]TGACCAATGTGATTCTCTCTTACATCATGAACAAGTACATGCGAAAGTTTTTCTTTCTGA-3'
Protein context (NP_066267.2, residues 2875-2895): VHDVRENHIG[His2885Gln]PESKSVDQKN

ClinVar aggregate classification (germline): Benign. Review status: criteria provided, multiple submitters, no conflicts (2 of 4 stars). 4 submissions from 4 submitters: Benign (2). 2 of the submissions do not count toward it. Last evaluated 2026-02-03.

Conditions:
ANK3-related disorder. Also called: ANK3-related condition.

Allele frequency attached by ClinVar (database versions not stated): gnomAD 0.07405 and 0.07165; 1000 Genomes Project 0.03135; TOPMed 0.06867; 1000 Genomes Project 30x 0.03201; gnomAD exomes 0.07196; ExAC 0.07443; ESP Exome Variant Server 0.07822.
gnomAD v4.1: 148,589 of 1,613,942 alleles (9.2%); highest among the groups gnomAD compares: Non-Finnish European, 11%; 7,869 homozygotes.

Submissions (4):

Labcorp Genetics (formerly Invitae), Labcorp
Classification: Benign. Last evaluated: 2026-02-03. Review status: criteria provided, single submitter. Criteria: Invitae Variant Classification Sherloc (09022015). Collection method: clinical testing. Allele origin: germline.

Breakthrough Genomics
Classification: Benign. Review status: criteria provided, single submitter. Criteria: ACMG Guidelines, 2015. Collection method: not provided. Allele origin: germline. Inheritance: Autosomal recessive inheritance. Affected: yes.

PreventionGenetics, part of Exact Sciences
Classification: Benign for ANK3-related condition. Last evaluated: 2019-11-25. Review status: no assertion criteria provided. Collection method: clinical testing. Allele origin: germline. Not counted in ClinVar's aggregate classification.
Comment: This variant is classified as benign based on ACMG/AMP sequence variant interpretation guidelines (Richards et al. 2015 PMID: 25741868, with internal and published modifications).

Genetic Services Laboratory, University of Chicago
Classification: Likely benign for AllHighlyPenetrant. Review status: no assertion criteria provided. Collection method: clinical testing. Allele origin: germline. Inheritance: Autosomal recessive inheritance. Not counted in ClinVar's aggregate classification.
Comment: Likely benign based on allele frequency in 1000 Genomes Project or ESP global frequency and its presence in a patient with a rare or unrelated disease phenotype. NOT Sanger confirmed.